The following is an entry in ClinVar:

ClinVar aggregate classification (germline): Benign/Likely benign. Review status: criteria provided, multiple submitters, no conflicts (2 of 4 stars). 6 submissions from 6 submitters: Benign (1); Likely benign (4). 1 of the submissions does not count toward it. Last evaluated 2026-01-20.

Conditions:
RRAS-related disorder. Also called: RRAS-related condition.
Noonan syndrome (NS). Also called: Noonan's syndrome. Identifiers: Orphanet 648, MedGen C0028326, MeSH D009634, MONDO:0018997. Disease mechanism: gain of function.

Allele frequency attached by ClinVar (database versions not stated): ESP Exome Variant Server 0.00008; gnomAD 0.00015 and 0.00021; TOPMed 0.00015; ExAC 0.00028; gnomAD exomes 0.00033; 1000 Genomes Project 0.00060; 1000 Genomes Project 30x 0.00078.
gnomAD v4.1: 266 of 1,446,130 alleles (0.018%); highest among the groups gnomAD compares: East Asian, 0.49%; 1 homozygote.

Submissions (6):

Labcorp Genetics (formerly Invitae), Labcorp
Classification: Likely benign for Noonan syndrome. Last evaluated: 2026-01-20. Review status: criteria provided, single submitter. Criteria: Invitae Variant Classification Sherloc (09022015). Collection method: clinical testing. Allele origin: germline.

CeGaT Center for Human Genetics Tuebingen
Classification: Likely benign. Last evaluated: 2025-10-01. Review status: criteria provided, single submitter. Criteria: CeGaT Center For Human Genetics Tuebingen Variant Classification Criteria Version 2. Collection method: clinical testing. Allele origin: germline. Affected: yes. Observed: 1 variant allele.
Comment: RRAS: BP4, BP7

Blueprint Genetics
Classification: Likely benign. Last evaluated: 2024-11-11. Review status: criteria provided, single submitter. Criteria: ACMG Guidelines, 2015. Collection method: clinical testing. Allele origin: germline.

Ambry Genetics
Classification: Likely benign. Last evaluated: 2022-05-02. Review status: criteria provided, single submitter. Criteria: Ambry Variant Classification Scheme 2023. Collection method: clinical testing. Allele origin: germline.

Women's Health and Genetics/Laboratory Corporation of America, LabCorp
Classification: Benign. Last evaluated: 2020-01-19. Review status: criteria provided, single submitter. Criteria: LabCorp Variant Classification Summary - May 2015. Collection method: clinical testing. Allele origin: germline.

PreventionGenetics, part of Exact Sciences
Classification: Likely benign for RRAS-related condition. Last evaluated: 2019-03-22. Review status: no assertion criteria provided. Collection method: clinical testing. Allele origin: germline. Not counted in ClinVar's aggregate classification.
Comment: This variant is classified as likely benign based on ACMG/AMP sequence variant interpretation guidelines (Richards et al. 2015 PMID: 25741868, with internal and published modifications).

NM_006270.5(RRAS):c.600G>A (p.Pro200=)

Gene: RRAS (RAS related; minus strand). Cytogenetic location: 19q13.33.
Variant type: single nucleotide variant.
Coding change: c.600G>A on transcript NM_006270.5 (MANE Select); coding-DNA position 600, G replaced by A.
Protein change: p.Pro200=; no amino-acid change (proline 200 retained).
Molecular consequence: synonymous variant.
Genome position (GRCh38, 1-based): chr19:49,635,633, C>T on the plus strand (G>A on the coding strand, the complement: RRAS is on the minus strand). VCF-style: chr19-49635633-C-T. GRCh37 (hg19) VCF-style: chr19-50138890-C-T.
Identifiers: ClinVar variation 457990 (VCV000457990.24), dbSNP rs183538580, ClinGen allele CA9578933.
Genomic context (GRCh38, chr19:49,635,633, plus strand): 5'-GGGCTACAGGAGGACGCAGGGGCAGCCCCCGCCCTTCTTCCTGGGGGCACTGGGAGGGCT[C>T]GGTGGGAGCTCTTGTTCCTGGTATTTCCTGTGGGAAAACGCCAGTGAGTTTGGAGTGGAA-3'
Protein context (NP_006261.1, residues 190-210): VRKYQEQELP[Pro200=]SPPSAPRKKG